The following is an entry in ClinVar:

ClinVar aggregate classification (germline): Likely pathogenic (1 of 4 stars; one submission).

Submission:

GeneDx
Classification: Likely pathogenic. Last evaluated: 2020-01-28. Review status: criteria provided, single submitter. Criteria: GeneDx Variant Classification Process June 2021. Collection method: clinical testing. Allele origin: germline. Affected: yes.
Comment: Frameshift variant predicted to result in protein truncation or nonsense mediated decay in a gene for which loss-of-function is a known mechanism of disease; Not observed in large population cohorts (Lek et al., 2016); Has not been previously published as pathogenic or benign to our knowledge

NM_031443.4(CCM2):c.486del (p.Ile163fs)

Gene: CCM2 (CCM2 scaffold protein; plus strand). Cytogenetic location: 7p13.
Variant type: Deletion.
Coding change: c.486del on transcript NM_031443.4 (MANE Select); coding-DNA position 486, one base deleted (G; older notation c.486delG).
Protein change: p.Ile163fs; shifts the reading frame from isoleucine 163.
Molecular consequence: frameshift variant. On other transcripts: intron variant (1), non-coding transcript variant (1).
Genome position (GRCh38, 1-based): chr7:45,068,456, G deleted; the last of 3 consecutive G bases (chr7:45,068,454-45,068,456); deleting any one gives the same sequence. VCF-style (leftmost placement, unchanged base first): chr7-45068453-AG-A. GRCh37 (hg19) VCF-style: chr7-45108052-AG-A.
Other names: c.472+3810del (NM_001167935.2); c.549del, p.Ile184fs (NM_001029835.2); c.312del, p.Ile105fs (NM_001167934.2, NM_001363459.2); c.486del, p.Ile163fs (NM_001363458.2); short protein forms I105fs, I163fs, I184fs.
Identifiers: ClinVar variation 1212756 (VCV001212756.3), dbSNP rs2128749827, ClinGen allele CA2499218901.